The following is an entry in ClinVar:

NM_024996.7(GFM1):c.1782C>T (p.Cys594=)

Gene: GFM1 (G elongation factor mitochondrial 1; plus strand). Cytogenetic location: 3q25.32.
Variant type: single nucleotide variant.
Coding change: c.1782C>T on transcript NM_024996.7 (MANE Select); coding-DNA position 1782, C replaced by T.
Protein change: p.Cys594=; no amino-acid change (cysteine 594 retained).
Molecular consequence: synonymous variant. On other transcripts: non-coding transcript variant (2).
Genome position (GRCh38, 1-based): chr3:158,684,541, C>T. VCF-style: chr3-158684541-C-T. GRCh37 (hg19) VCF-style: chr3-158402330-C-T.
Other names: c.1839C>T, p.Cys613= (NM_001308164.2); c.1701C>T, p.Cys567= (NM_001374355.1); c.1665C>T, p.Cys555= (NM_001374356.1); c.1557C>T, p.Cys519= (NM_001374357.1); c.1323C>T, p.Cys441= (NM_001374358.1); c.1215C>T, p.Cys405= (NM_001374359.1, NM_001374360.1); c.1098C>T, p.Cys366= (NM_001374361.1); c.1839C>T (NM_001308164.1).
Identifiers: ClinVar variation 1138680 (VCV001138680.12), dbSNP rs141903395, ClinGen allele CA2682994.

ClinVar aggregate classification (germline): Likely benign. Review status: criteria provided, single submitter (1 of 4 stars). 2 submissions from 2 submitters: Likely benign (1). 1 of the submissions does not count toward it. Last evaluated 2025-07-30.

Conditions:
GFM1-related disorder. Also called: GFM1-related condition.

Allele frequency attached by ClinVar (database versions not stated): gnomAD exomes 0.00002 and 0.00009; ExAC 0.00012; 1000 Genomes Project 0.00020; gnomAD 0.00022 and 0.00024; TOPMed 0.00028; 1000 Genomes Project 30x 0.00031; ESP Exome Variant Server 0.00038.
gnomAD v4.1: 64 of 1,613,996 alleles (0.004%); highest among the groups gnomAD compares: African/African-American, 0.065%; no homozygotes.

Submissions (3):

Labcorp Genetics (formerly Invitae), Labcorp
Classification: Likely benign. Last evaluated: 2025-07-30. Review status: criteria provided, single submitter. Criteria: Invitae Variant Classification Sherloc (09022015). Collection method: clinical testing. Allele origin: germline.

PreventionGenetics, part of Exact Sciences
Classification: Likely benign for GFM1-related condition. Last evaluated: 2021-11-04. Review status: no assertion criteria provided. Collection method: clinical testing. Allele origin: germline. Not counted in ClinVar's aggregate classification.
Comment: This variant is classified as likely benign based on ACMG/AMP sequence variant interpretation guidelines (Richards et al. 2015 PMID: 25741868, with internal and published modifications).

Dr. Peter K. Rogan Lab, Western University
No classification provided (evidence only). Condition: Cervical cancer. Review status: no classification provided. Collection method: in vitro. Allele origin: not applicable. Functional consequence: skipped exon. Not counted in ClinVar's aggregate classification.